The following is an entry in ClinVar:

ClinVar aggregate classification (germline): Uncertain significance (1 of 4 stars; one submission).

Conditions:
Hajdu-Cheney syndrome (HJCYS). Also called: ACROOSTEOLYSIS WITH OSTEOPOROSIS AND CHANGES IN SKULL AND MANDIBLE; SERPENTINE FIBULA-POLYCYSTIC KIDNEY SYNDROME; Acroosteolysis dominant type. Identifiers: Orphanet 955, MedGen C0917715, MONDO:0007057, OMIM 102500.

gnomAD v4.1: 1 of 1,614,206 alleles (0.000062%); highest among the groups gnomAD compares: South Asian, 0.0011%; no homozygotes.

Submission:

Labcorp Genetics (formerly Invitae), Labcorp
Classification: Uncertain significance for Hajdu-Cheney syndrome. Last evaluated: 2025-03-22. Review status: criteria provided, single submitter. Criteria: Invitae Variant Classification Sherloc (09022015). Collection method: clinical testing. Allele origin: germline.
Comment: This sequence change replaces threonine, which is neutral and polar, with isoleucine, which is neutral and non-polar, at codon 2444 of the NOTCH2 protein (p.Thr2444Ile). This variant is not present in population databases (gnomAD no frequency). This variant has not been reported in the literature in individuals affected with NOTCH2-related conditions. Invitae Evidence Modeling of protein sequence and biophysical properties (such as structural, functional, and spatial information, amino acid conservation, physicochemical variation, residue mobility, and thermodynamic stability) indicates that this missense variant is not expected to disrupt NOTCH2 protein function with a negative predictive value of 95%. In summary, the available evidence is currently insufficient to determine the role of this variant in disease. Therefore, it has been classified as a Variant of Uncertain Significance.

NM_024408.4(NOTCH2):c.7331C>T (p.Thr2444Ile)

Gene: NOTCH2 (notch receptor 2; minus strand). Cytogenetic location: 1p12.
Variant type: single nucleotide variant.
Coding change: c.7331C>T on transcript NM_024408.4 (MANE Select); coding-DNA position 7331, C replaced by T.
Protein change: p.Thr2444Ile; replaces threonine 2444 with isoleucine.
Molecular consequence: missense variant.
Genome position (GRCh38, 1-based): chr1:119,915,391, G>A on the plus strand (C>T on the coding strand, the complement: NOTCH2 is on the minus strand). VCF-style: chr1-119915391-G-A. GRCh37 (hg19) VCF-style: chr1-120458014-G-A.
Other names: short protein forms T2444I.
Identifiers: ClinVar variation 4799932 (VCV004799932.1).